The following is an entry in ClinVar:

NM_001364171.2(ODAD1):c.467A>G (p.Glu156Gly)

Gene: ODAD1 (outer dynein arm docking complex subunit 1; minus strand). Cytogenetic location: 19q13.33.
Variant type: single nucleotide variant.
Coding change: c.467A>G on transcript NM_001364171.2 (MANE Select); coding-DNA position 467, A replaced by G.
Protein change: p.Glu156Gly; replaces glutamic acid 156 with glycine.
Molecular consequence: missense variant.
Genome position (GRCh38, 1-based): chr19:48,312,010, T>C on the plus strand (A>G on the coding strand, the complement: ODAD1 is on the minus strand). VCF-style: chr19-48312010-T-C. GRCh37 (hg19) VCF-style: chr19-48815267-T-C.
Other names: c.356A>G (NM_144577.3); c.356A>G, p.Glu119Gly (NM_144577.4); short protein forms E119G, E156G.
Identifiers: ClinVar variation 1682894 (VCV001682894.8), dbSNP rs1281163225, ClinGen allele CA406664560.

ClinVar aggregate classification (germline): Conflicting classifications of pathogenicity. Review status: criteria provided, conflicting classifications (1 of 4 stars). 3 submissions from 3 submitters: Uncertain significance (2); Likely benign (1). Last evaluated 2023-02-07.

Conditions:
Primary ciliary dyskinesia. Also called: Ciliary dyskinesia. Identifiers: Orphanet 244, MedGen C0008780, MONDO:0016575, HP:0012265.

Allele frequency attached by ClinVar (database versions not stated): gnomAD 0.00001; gnomAD exomes 0.00002 and 0.00010; TOPMed 0.00004.
gnomAD v4.1: 31 of 1,551,340 alleles (0.002%); highest among the groups gnomAD compares: East Asian, 0.073%; no homozygotes.

Submissions (3):

Blueprint Genetics
Classification: Uncertain significance. Last evaluated: 2023-02-07. Review status: criteria provided, single submitter. Criteria: ACMG Guidelines, 2015. Collection method: clinical testing. Allele origin: germline.

Ambry Genetics
Classification: Likely benign for Primary ciliary dyskinesia. Last evaluated: 2023-01-10. Review status: criteria provided, single submitter. Criteria: Ambry Variant Classification Scheme 2023. Collection method: clinical testing. Allele origin: germline.

Labcorp Genetics (formerly Invitae), Labcorp
Classification: Uncertain significance for Primary ciliary dyskinesia. Last evaluated: 2021-09-01. Review status: criteria provided, single submitter. Criteria: Invitae Variant Classification Sherloc (09022015). Collection method: clinical testing. Allele origin: germline.
Comment: This sequence change replaces glutamic acid with glycine at codon 119 of the CCDC114 protein (p.Glu119Gly). The glutamic acid residue is highly conserved and there is a moderate physicochemical difference between glutamic acid and glycine. This variant is not present in population databases (ExAC no frequency). This variant has not been reported in the literature in individuals affected with CCDC114-related conditions. Algorithms developed to predict the effect of missense changes on protein structure and function are either unavailable or do not agree on the potential impact of this missense change (SIFT: "Deleterious"; PolyPhen-2: "Probably Damaging"; Align-GVGD: "Class C0"). In summary, the available evidence is currently insufficient to determine the role of this variant in disease. Therefore, it has been classified as a Variant of Uncertain Significance.